The following is an entry in ClinVar:

NM_000094.4(COL7A1):c.2912C>T (p.Ser971Leu)

Gene: COL7A1 (collagen type VII alpha 1 chain; minus strand). Cytogenetic location: 3p21.31.
Variant type: single nucleotide variant.
Coding change: c.2912C>T on transcript NM_000094.4 (MANE Select); coding-DNA position 2912, C replaced by T.
Protein change: p.Ser971Leu; replaces serine 971 with leucine.
Molecular consequence: missense variant.
Genome position (GRCh38, 1-based): chr3:48,587,500, G>A on the plus strand (C>T on the coding strand, the complement: COL7A1 is on the minus strand). VCF-style: chr3-48587500-G-A. GRCh37 (hg19) VCF-style: chr3-48624933-G-A.
Other names: short protein forms S971L.
Identifiers: ClinVar variation 3147800 (VCV003147800.3), dbSNP rs374082591, ClinGen allele CA2380697.
Genomic context (GRCh38, chr3:48,587,500, plus strand): 5'-GGCCGCCAGGATAGGATGTAGCTGGATGCCCTGGACACTGGAGTCCAGGCCAAAGTCACC[G>A]AGTCGATCGAGGTGTCCACCACACGTAGTTCAATGCTTGGAACACGAGGTGACTCTGAAG-3'
Protein context (NP_000085.1, residues 961-981): ELRVVDTSID[Ser971Leu]VTLAWTPVSR

ClinVar aggregate classification (germline): Uncertain significance. Review status: criteria provided, multiple submitters, no conflicts (2 of 4 stars). 3 submissions from 3 submitters: Uncertain significance (3). Last evaluated 2026-03-05.

Conditions:
Inborn genetic diseases. Identifiers: MedGen C0950123, MeSH D030342.

Allele frequency attached by ClinVar (database versions not stated): ESP Exome Variant Server 0.00008; gnomAD 0.00001; ExAC 0.00002; gnomAD exomes 0.00002; TOPMed 0.00002.
gnomAD v4.1: 37 of 1,613,288 alleles (0.0023%); highest among the groups gnomAD compares: Middle Eastern, 0.016%; no homozygotes.

Submissions (3):

Women's Health and Genetics/Laboratory Corporation of America, LabCorp
Classification: Uncertain significance. Last evaluated: 2026-03-05. Review status: criteria provided, single submitter. Criteria: LabCorp Variant Classification Summary - May 2015. Collection method: clinical testing. Allele origin: germline.

Labcorp Genetics (formerly Invitae), Labcorp
Classification: Uncertain significance. Last evaluated: 2025-07-11. Review status: criteria provided, single submitter. Criteria: Invitae Variant Classification Sherloc (09022015). Collection method: clinical testing. Allele origin: germline.
Comment: This sequence change replaces serine, which is neutral and polar, with leucine, which is neutral and non-polar, at codon 971 of the COL7A1 protein (p.Ser971Leu). The frequency data for this variant in the population databases is considered unreliable, as metrics indicate poor data quality at this position in the gnomAD database. This variant has not been reported in the literature in individuals affected with COL7A1-related conditions. ClinVar contains an entry for this variant (Variation ID: 3147800). Invitae Evidence Modeling of protein sequence and biophysical properties (such as structural, functional, and spatial information, amino acid conservation, physicochemical variation, residue mobility, and thermodynamic stability) indicates that this missense variant is not expected to disrupt COL7A1 protein function with a negative predictive value of 95%. In summary, the available evidence is currently insufficient to determine the role of this variant in disease. Therefore, it has been classified as a Variant of Uncertain Significance.

Ambry Genetics
Classification: Uncertain significance for Inborn genetic diseases. Last evaluated: 2023-12-21. Review status: criteria provided, single submitter. Criteria: Ambry Variant Classification Scheme 2023. Collection method: clinical testing. Allele origin: germline.